The following is an entry in ClinVar:

NM_000493.4(COL10A1):c.1807G>C (p.Val603Leu)

Genes: NT5DC1 (5'-nucleotidase domain containing 1; plus strand), COL10A1 (collagen type X alpha 1 chain; minus strand). Cytogenetic location: 6q22.1.
Variant type: single nucleotide variant.
Coding change: c.1807G>C on transcript NM_000493.4 (MANE Select); coding-DNA position 1807, G replaced by C.
Protein change: p.Val603Leu; replaces valine 603 with leucine.
Molecular consequence: missense variant. On other transcripts: intron variant (1).
Genome position (GRCh38, 1-based): chr6:116,120,309, C>G on the plus strand (G>C on the coding strand, the complement: COL10A1 is on the minus strand). VCF-style: chr6-116120309-C-G. GRCh37 (hg19) VCF-style: chr6-116441472-C-G.
Other names: c.1807G>C, p.Val603Leu (NM_001424106.1, NM_001424107.1); c.529+2364C>G (NM_152729.3); short protein forms V603L.
Identifiers: ClinVar variation 2880082 (VCV002880082.3), dbSNP rs143769451, ClinGen allele CA3968113.

ClinVar aggregate classification (germline): Uncertain significance (1 of 4 stars; one submission).

Allele frequency attached by ClinVar (database versions not stated): ESP Exome Variant Server 0.00015.

Submission:

Labcorp Genetics (formerly Invitae), Labcorp
Classification: Uncertain significance. Last evaluated: 2023-09-09. Review status: criteria provided, single submitter. Criteria: Invitae Variant Classification Sherloc (09022015). Collection method: clinical testing. Allele origin: germline.
Comment: This sequence change replaces valine, which is neutral and non-polar, with leucine, which is neutral and non-polar, at codon 603 of the COL10A1 protein (p.Val603Leu). This variant is not present in population databases (gnomAD no frequency). This variant has not been reported in the literature in individuals affected with COL10A1-related conditions. Advanced modeling of protein sequence and biophysical properties (such as structural, functional, and spatial information, amino acid conservation, physicochemical variation, residue mobility, and thermodynamic stability) performed at Invitae indicates that this missense variant is not expected to disrupt COL10A1 protein function. In summary, the available evidence is currently insufficient to determine the role of this variant in disease. Therefore, it has been classified as a Variant of Uncertain Significance.